The following is an entry in ClinVar:

ClinVar aggregate classification (germline): Pathogenic (1 of 4 stars; one submission).

Conditions:
Congenital hyperammonemia, type I. Also called: CPS I DEFICIENCY; Carbamoyl phosphate synthetase 1 deficiency; Hyperammonemia due to carbamoyl phosphate synthetase 1 deficiency; CPS 1 deficiency; Carbamyl phosphate synthetase (CPS) deficiency; Carbamoyl-phosphate synthase I deficiency. Identifiers: Orphanet 147, MedGen C4082171, MONDO:0009376, OMIM 237300.

Submission:

Labcorp Genetics (formerly Invitae), Labcorp
Classification: Pathogenic for Congenital hyperammonemia, type I. Last evaluated: 2023-11-01. Review status: criteria provided, single submitter. Criteria: Invitae Variant Classification Sherloc (09022015). Collection method: clinical testing. Allele origin: germline.
Comment: This sequence change creates a premature translational stop signal (p.Glu1290Glyfs*11) in the CPS1 gene. It is expected to result in an absent or disrupted protein product. Loss-of-function variants in CPS1 are known to be pathogenic (PMID: 21120950). This variant is not present in population databases (gnomAD no frequency). This variant has not been reported in the literature in individuals affected with CPS1-related conditions. For these reasons, this variant has been classified as Pathogenic.

Literature cited by the submitters: PubMed 21120950.

NM_001875.5(CPS1):c.3869del (p.Glu1290fs)

Gene: CPS1 (carbamoyl-phosphate synthase 1; plus strand). Cytogenetic location: 2q34.
Variant type: Deletion.
Coding change: c.3869del on transcript NM_001875.5 (MANE Select); coding-DNA position 3869, one base deleted (A; older notation c.3869delA).
Protein change: p.Glu1290fs; shifts the reading frame from glutamic acid 1290.
Molecular consequence: frameshift variant. On other transcripts: non-coding transcript variant (2).
Genome position (GRCh38, 1-based): chr2:210,660,597, A deleted. VCF-style (leftmost placement, unchanged base first): chr2-210660596-GA-G. GRCh37 (hg19) VCF-style: chr2-211525320-GA-G.
Other names: c.3869del, p.Glu1290fs (NM_001122633.3, NM_001369257.1); c.3902del, p.Glu1301fs (NM_001369256.1); short protein forms E1290fs, E1301fs.
Identifiers: ClinVar variation 2773113 (VCV002773113.3), dbSNP rs2469332928, ClinGen allele CA2697550366.